The following is an entry in ClinVar:

NM_000642.3(AGL):c.1429G>C (p.Glu477Gln)

Gene: AGL (amylo-alpha-1,6-glucosidase and 4-alpha-glucanotransferase; plus strand). Cytogenetic location: 1p21.2.
Variant type: single nucleotide variant.
Coding change: c.1429G>C on transcript NM_000642.3 (MANE Select); coding-DNA position 1429, G replaced by C.
Protein change: p.Glu477Gln; replaces glutamic acid 477 with glutamine.
Molecular consequence: missense variant.
Genome position (GRCh38, 1-based): chr1:99,877,646, G>C. VCF-style: chr1-99877646-G-C. GRCh37 (hg19) VCF-style: chr1-100343202-G-C.
Other names: c.1429G>C, p.Glu477Gln (NM_000028.3, NM_000643.3, NM_000644.3 and 2 more transcripts); c.1381G>C, p.Glu461Gln (NM_000646.3); c.1228G>C, p.Glu410Gln (NM_001425327.1); c.1225G>C, p.Glu409Gln (NM_001425328.1, NM_001425329.1); c.1051G>C, p.Glu351Gln (NM_001425332.1); short protein forms E461Q, E477Q, E351Q, E409Q, E410Q.
Identifiers: ClinVar variation 836976 (VCV000836976.10), dbSNP rs371406517, ClinGen allele CA966500.

ClinVar aggregate classification (germline): Uncertain significance. Review status: criteria provided, single submitter (1 of 4 stars). 2 submissions from 2 submitters: Uncertain significance (1). 1 of the submissions does not count toward it. Last evaluated 2025-10-27.

Conditions:
Glycogen storage disease type III (GSD3). Also called: FORBES DISEASE; Cori disease. Identifiers: Orphanet 366, MedGen C0017922, MONDO:0009291, OMIM 232400.

Allele frequency attached by ClinVar (database versions not stated): ExAC 0.00001; gnomAD 0.00001; gnomAD exomes 0.00001; TOPMed 0.00002; ESP Exome Variant Server 0.00008.
gnomAD v4.1: 22 of 1,613,826 alleles (0.0014%); highest among the groups gnomAD compares: Middle Eastern, 0.016%; no homozygotes.

Submissions (2):

Labcorp Genetics (formerly Invitae), Labcorp
Classification: Uncertain significance for Glycogen storage disease type III. Last evaluated: 2025-10-27. Review status: criteria provided, single submitter. Criteria: Invitae Variant Classification Sherloc (09022015). Collection method: clinical testing. Allele origin: germline.
Comment: This sequence change replaces glutamic acid, which is acidic and polar, with glutamine, which is neutral and polar, at codon 477 of the AGL protein (p.Glu477Gln). This variant is present in population databases (rs371406517, gnomAD 0.002%). This variant has not been reported in the literature in individuals affected with AGL-related conditions. ClinVar contains an entry for this variant (Variation ID: 836976). Invitae Evidence Modeling of protein sequence and biophysical properties (such as structural, functional, and spatial information, amino acid conservation, physicochemical variation, residue mobility, and thermodynamic stability) indicates that this missense variant is not expected to disrupt AGL protein function with a negative predictive value of 80%. In summary, the available evidence is currently insufficient to determine the role of this variant in disease. Therefore, it has been classified as a Variant of Uncertain Significance.

Natera, Inc.
Classification: Uncertain significance for Glycogen storage disease type III. Last evaluated: 2020-02-26. Review status: no assertion criteria provided. Collection method: clinical testing. Allele origin: germline. Not counted in ClinVar's aggregate classification.